The following is an entry in ClinVar:

ClinVar aggregate classification (germline): Pathogenic (1 of 4 stars; one submission).

Submission:

Illumina Laboratory Services, Illumina
Classification: Pathogenic. Last evaluated: 2021-09-07. Review status: criteria provided, single submitter. Criteria: ICSL CNVClassificationCriteria Aug2020. Collection method: clinical testing. Allele origin: unknown.
Comment: This CNV is a 5.9 Mb deletion of 15q25.3-q26.2 on chromosome 15 (seq[GRCh37]del(15)(q25.3q26.2); chr15:g.88465861_94411846del), found in a de novo state. This CNV constitutes a loss encompassing 103 genes, of which, at least 50 are protein coding and include the CHD2 and ACAN genes. Haploinsufficiency of the CHD2 gene has been associated with CHD2-related neurodevelopmental disorders, which are characterized by an early-onset epileptic encephalopathy with refractory seizures and regression associated with frequent epileptiform activity. Seizure onset is typically between the ages of six months and four years. Other common features include developmental delay, intellectual disability, autism spectrum disorders and behavioral issues including anxiety. attention-deficit / hyperactivity disorder and aggressive or self-injurious behavior. Variants associated with CHD2-related neurodevelopmental disorders are typically caused by de novo variants (Carvil et al. 2021). Heterozygous loss of function variants in the ACAN gene have been associated with short stature and advanced bone age with or without early-onset osteoarthritis and/or osteochondritis dissecans, an autosomal dominant disorder characterized by disproportionate short stature, low birth weight and length, early growth cessation, and advanced bone age. Additional features include mild facial dysmorphism (mild midface hypoplasia, flat nasal bridge and frontal bossing), brachydactyly, bone deformities, joint problems and early-onset osteoarthritis (Gkourogianni et al. 2017; van der Steen et al. 2017; Stavber et al. 2020). Similar CNVs have not been reported in the peer-reviewed literature. However, a similar overlapping loss of 5.9 Mb, classified as pathogenic, has been reported in one individual with a phenotype including developmental delay in ClinVar. This CNV has not been reported in controls. Based on the available evidence, this CNV is classified as pathogenic.

Literature cited by the submitters: PubMed 26677509; PubMed 27710243; PubMed 27870580; PubMed 31841439.

GRCh37/hg19 15q25.3-26.2(chr15:88465861-94411846)x1

Genes: VPS33B (VPS33B late endosome and lysosome associated; minus strand), ZNF710 (zinc finger protein 710; plus strand), ZNF774 (zinc finger protein 774; plus strand), WDR93 (WD repeat domain 93; plus strand), ABHD2 (abhydrolase domain containing 2, acylglycerol lipase; plus strand) and 47 more. Cytogenetic location: 15q25.3-26.2.
Variant type: copy number loss.
Change: copy number 1 (one copy instead of two) of chr15:88,465,861-94,411,846 (5.95 Mb, GRCh37 coordinates, 1-based), cytogenetic band 15q25.3-26.2.
Identifiers: ClinVar variation 1328111 (VCV001328111.4).